The following is an entry in ClinVar:

ClinVar aggregate classification (germline): Benign (3 of 4 stars; one submission).

Conditions:
Breast-ovarian cancer, familial, susceptibility to, 2 (BROVCA2). Also called: BRCA2 Hereditary Breast and Ovarian Cancer. Identifiers: Orphanet 145, MedGen C2675520, MONDO:0012933, OMIM 612555. Disease mechanism: loss of function.

Allele frequency attached by ClinVar (database versions not stated): gnomAD 0.00671 and 0.00714; TOPMed 0.00752; 1000 Genomes Project 30x 0.00781; 1000 Genomes Project 0.00839.
gnomAD v4.1: 1,011 of 152,318 alleles (0.66%); highest among the groups gnomAD compares: African/African-American, 2.3%; 10 homozygotes.

Submission:

Evidence-based Network for the Interpretation of Germline Mutant Alleles (ENIGMA)
Classification: Benign for Breast-ovarian cancer, familial 2. Last evaluated: 2015-01-12. Review status: reviewed by expert panel. Criteria: ENIGMA BRCA1/2 Classification Criteria (2015). Collection method: curation. Allele origin: germline.
Comment: Class 1 not pathogenic based on frequency >1% in an outbred sampleset. Frequency 0.05894 (African), derived from 1000 genomes (2012-04-30).

NM_000059.4(BRCA2):c.9257-6283A>G

Gene: BRCA2 (BRCA2 DNA repair associated; plus strand). Cytogenetic location: 13q13.1.
Variant type: single nucleotide variant.
Coding change: c.9257-6283A>G on transcript NM_000059.4 (MANE Select); 6283 bases into the intron before coding-DNA position 9257, A replaced by G.
Molecular consequence: intron variant.
Genome position (GRCh38, 1-based): chr13:32,388,406, A>G. VCF-style: chr13-32388406-A-G. GRCh37 (hg19) VCF-style: chr13-32962543-A-G.
Other names: IVS 24-6283A>G.
Identifiers: ClinVar variation 209881 (VCV000209881.1), dbSNP rs11571796, ClinGen allele CA276849.